The following is an entry in ClinVar:

ClinVar aggregate classification (germline): Benign. Review status: criteria provided, multiple submitters, no conflicts (2 of 4 stars). 2 submissions from 2 submitters: Benign (2). Last evaluated 2018-06-14.

Allele frequency attached by ClinVar (database versions not stated): gnomAD 0.33158; TOPMed 0.35664; 1000 Genomes Project 30x 0.51530; 1000 Genomes Project 0.52556.
gnomAD v4.1: 52,280 of 152,038 alleles (34%); highest among the groups gnomAD compares: East Asian, 81%; 10,119 homozygotes.

Submissions (2):

GeneDx
Classification: Benign. Last evaluated: 2018-06-14. Review status: criteria provided, single submitter. Criteria: GeneDx Variant Classification (06012015). Collection method: clinical testing. Allele origin: germline. Affected: yes.
Comment: This variant is considered likely benign or benign based on one or more of the following criteria: it is a conservative change, it occurs at a poorly conserved position in the protein, it is predicted to be benign by multiple in silico algorithms, and/or has population frequency not consistent with disease.

Breakthrough Genomics
Classification: Benign. Review status: criteria provided, single submitter. Criteria: ACMG Guidelines, 2015. Collection method: not provided. Allele origin: germline. Inheritance: Autosomal recessive inheritance. Affected: yes.

NM_001013703.4(EIF2AK4):c.257+183C>A

Gene: EIF2AK4 (eukaryotic translation initiation factor 2 alpha kinase 4; plus strand). Cytogenetic location: 15q15.1.
Variant type: single nucleotide variant.
Coding change: c.257+183C>A on transcript NM_001013703.4 (MANE Select); 183 bases into the intron after coding-DNA position 257, C replaced by A.
Molecular consequence: intron variant.
Genome position (GRCh38, 1-based): chr15:39,939,800, C>A. VCF-style: chr15-39939800-C-A. GRCh37 (hg19) VCF-style: chr15-40232001-C-A.
Identifiers: ClinVar variation 674661 (VCV000674661.2), dbSNP rs500200, ClinGen allele CA15843616.